The following is an entry in ClinVar:

NM_198578.4(LRRK2):c.7461A>C (p.Lys2487Asn)

Gene: LRRK2 (leucine rich repeat kinase 2; plus strand). Cytogenetic location: 12q12.
Variant type: single nucleotide variant.
Coding change: c.7461A>C on transcript NM_198578.4 (MANE Select); coding-DNA position 7461, A replaced by C.
Protein change: p.Lys2487Asn; replaces lysine 2487 with asparagine.
Molecular consequence: missense variant.
Genome position (GRCh38, 1-based): chr12:40,367,076, A>C. VCF-style: chr12-40367076-A-C. GRCh37 (hg19) VCF-style: chr12-40760878-A-C.
Other names: short protein forms K2487N.
Identifiers: ClinVar variation 3291933 (VCV003291933.1).

ClinVar aggregate classification (germline): Uncertain significance (1 of 4 stars; one submission).

Conditions:
Inborn genetic diseases. Identifiers: MedGen C0950123, MeSH D030342.

Submission:

Ambry Genetics
Classification: Uncertain significance for Inborn genetic diseases. Last evaluated: 2024-03-24. Review status: criteria provided, single submitter. Criteria: Ambry Variant Classification Scheme 2023. Collection method: clinical testing. Allele origin: germline.
Comment: The p.K2487N variant (also known as c.7461A>C), located in coding exon 50 of the LRRK2 gene, results from an A to C substitution at nucleotide position 7461. The lysine at codon 2487 is replaced by asparagine, an amino acid with similar properties. This amino acid position is conserved. In addition, this alteration is predicted to be tolerated by in silico analysis. Based on the available evidence, the clinical significance of this alteration remains unclear.